The following is an entry in ClinVar:

ClinVar aggregate classification (germline): Uncertain significance (1 of 4 stars; one submission).

Conditions:
Joubert syndrome 25 (JBTS25). Identifiers: Orphanet 475, MedGen C4084842, MONDO:0014770, OMIM 616781.

Allele frequency attached by ClinVar (database versions not stated): gnomAD exomes 0.00014; ESP Exome Variant Server 0.00031; ExAC 0.00032; gnomAD 0.00046 and 0.00047; TOPMed 0.00053; 1000 Genomes Project 30x 0.00094; 1000 Genomes Project 0.00100.
gnomAD v4.1: 230 of 1,604,566 alleles (0.014%); highest among the groups gnomAD compares: African/African-American, 0.16%; no homozygotes.

Submission:

Labcorp Genetics (formerly Invitae), Labcorp
Classification: Uncertain significance for Joubert syndrome 25. Last evaluated: 2021-09-17. Review status: criteria provided, single submitter. Criteria: Invitae Variant Classification Sherloc (09022015). Collection method: clinical testing. Allele origin: germline.
Comment: This sequence change replaces valine with isoleucine at codon 485 of the CEP104 protein (p.Val485Ile). The valine residue is weakly conserved and there is a small physicochemical difference between valine and isoleucine. This variant is present in population databases (rs11800891, ExAC 0.2%). This variant has not been reported in the literature in individuals affected with CEP104-related conditions. Algorithms developed to predict the effect of missense changes on protein structure and function output the following: SIFT: "Tolerated"; PolyPhen-2: "Benign"; Align-GVGD: "Class C0". The isoleucine amino acid residue is found in multiple mammalian species, which suggests that this missense change does not adversely affect protein function. In summary, the available evidence is currently insufficient to determine the role of this variant in disease. Therefore, it has been classified as a Variant of Uncertain Significance.

NM_014704.4(CEP104):c.1453G>A (p.Val485Ile)

Gene: CEP104 (centrosomal protein 104; minus strand). Cytogenetic location: 1p36.32.
Variant type: single nucleotide variant.
Coding change: c.1453G>A on transcript NM_014704.4 (MANE Select); coding-DNA position 1453, G replaced by A.
Protein change: p.Val485Ile; replaces valine 485 with isoleucine.
Molecular consequence: missense variant.
Genome position (GRCh38, 1-based): chr1:3,834,957, C>T on the plus strand (G>A on the coding strand, the complement: CEP104 is on the minus strand). VCF-style: chr1-3834957-C-T. GRCh37 (hg19) VCF-style: chr1-3751521-C-T.
Other names: short protein forms V485I.
Identifiers: ClinVar variation 1495329 (VCV001495329.5), dbSNP rs11800891, ClinGen allele CA551601.